The following is an entry in ClinVar:

NM_002968.3(SALL1):c.3836C>T (p.Thr1279Met)

Gene: SALL1 (spalt like transcription factor 1; minus strand). Cytogenetic location: 16q12.1.
Variant type: single nucleotide variant.
Coding change: c.3836C>T on transcript NM_002968.3 (MANE Select); coding-DNA position 3836, C replaced by T.
Protein change: p.Thr1279Met; replaces threonine 1279 with methionine.
Molecular consequence: missense variant.
Genome position (GRCh38, 1-based): chr16:51,137,251, G>A on the plus strand (C>T on the coding strand, the complement: SALL1 is on the minus strand). VCF-style: chr16-51137251-G-A. GRCh37 (hg19) VCF-style: chr16-51171162-G-A.
Other names: c.3545C>T, p.Thr1182Met (NM_001127892.2); short protein forms T1182M, T1279M.
Identifiers: ClinVar variation 829915 (VCV000829915.11), dbSNP rs776104367, ClinGen allele CA8052819.
Genomic context (GRCh38, chr16:51,137,251, plus strand): 5'-TTCTCCAGGCCGGCCAGGGGAGCATTGGGCTCTGAGTTCTGGAGCCTCTCCAGGTTTCCC[G>A]TCAGCCCACTAACAGGTGAGCTGTTCCCACTGCCGAGGCTTCCAGGAATTGGAGGGATGC-3'
Protein context (NP_002959.2, residues 1269-1289): SGNSSPVSGL[Thr1279Met]GNLERLQNSE

ClinVar aggregate classification (germline): Conflicting classifications of pathogenicity. Review status: criteria provided, conflicting classifications (1 of 4 stars). 5 submissions from 5 submitters: Uncertain significance (3); Likely benign (1). 1 of the submissions does not count toward it. Last evaluated 2024-10-14.

Conditions:
Townes syndrome (TBS). Also called: Townes-Brocks syndrome. Identifiers: Orphanet 857, MedGen C0265246, MeSH C536974, MONDO:0007142.
Inborn genetic diseases. Identifiers: MedGen C0950123, MeSH D030342.
Townes-Brocks syndrome 1 (TBS1). Also called: DEAFNESS, SENSORINEURAL, WITH IMPERFORATE ANUS AND THUMB ANOMALIES; REAR SYNDROME; RENAL-EAR-ANAL-RADIAL SYNDROME; SALL1-Related Townes-Brocks Syndrome. Identifiers: Orphanet 857, MedGen C4551481, MONDO:0054581, OMIM 107480.

Allele frequency attached by ClinVar (database versions not stated): gnomAD 0.00003 and 0.00004; gnomAD exomes 0.00003; TOPMed 0.00004; ExAC 0.00005.

Submissions (5):

Blueprint Genetics
Classification: Likely benign. Last evaluated: 2024-10-14. Review status: criteria provided, single submitter. Criteria: ACMG Guidelines, 2015. Collection method: clinical testing. Allele origin: germline.

Labcorp Genetics (formerly Invitae), Labcorp
Classification: Uncertain significance for Townes syndrome. Last evaluated: 2022-03-04. Review status: criteria provided, single submitter. Criteria: Invitae Variant Classification Sherloc (09022015). Collection method: clinical testing. Allele origin: germline.
Comment: This variant has not been reported in the literature in individuals affected with SALL1-related conditions. ClinVar contains an entry for this variant (Variation ID: 829915). Algorithms developed to predict the effect of missense changes on protein structure and function are either unavailable or do not agree on the potential impact of this missense change (SIFT: "Deleterious"; PolyPhen-2: "Probably Damaging"; Align-GVGD: "Class C0"). In summary, the available evidence is currently insufficient to determine the role of this variant in disease. Therefore, it has been classified as a Variant of Uncertain Significance. This variant is present in population databases (rs776104367, gnomAD 0.005%). This sequence change replaces threonine, which is neutral and polar, with methionine, which is neutral and non-polar, at codon 1279 of the SALL1 protein (p.Thr1279Met).

Ambry Genetics
Classification: Uncertain significance for Inborn genetic diseases. Last evaluated: 2021-08-02. Review status: criteria provided, single submitter. Criteria: Ambry Variant Classification Scheme 2023. Collection method: clinical testing. Allele origin: germline.

GeneDx
Classification: Uncertain significance. Last evaluated: 2021-03-15. Review status: criteria provided, single submitter. Criteria: GeneDx Variant Classification Process June 2021. Collection method: clinical testing. Allele origin: germline. Affected: yes.
Comment: In silico analysis supports that this missense variant has a deleterious effect on protein structure/function; Has not been previously published as pathogenic or benign to our knowledge

Bioscientia Institut fuer Medizinische Diagnostik GmbH, Sonic Healthcare
Classification: Uncertain significance for Townes-Brocks syndrome 1. Last evaluated: 2019-10-24. Review status: no assertion criteria provided. Collection method: clinical testing. Allele origin: germline. Affected: yes. Not counted in ClinVar's aggregate classification.